The following is an entry in ClinVar:

ClinVar aggregate classification (germline): Uncertain significance (1 of 4 stars; one submission).

Submission:

Greenwood Genetic Center Diagnostic Laboratories, Greenwood Genetic Center
Classification: Uncertain significance. Last evaluated: 2025-01-31. Review status: criteria provided, single submitter. Criteria: ACMG Guidelines, 2015. Collection method: clinical testing. Allele origin: germline.
Comment: PM2, PP3

NM_013386.5(SLC25A24):c.905C>G (p.Ala302Gly)

Gene: SLC25A24 (solute carrier family 25 member 24; minus strand). Cytogenetic location: 1p13.3.
Variant type: single nucleotide variant.
Coding change: c.905C>G on transcript NM_013386.5 (MANE Select); coding-DNA position 905, C replaced by G.
Protein change: p.Ala302Gly; replaces alanine 302 with glycine.
Molecular consequence: missense variant.
Genome position (GRCh38, 1-based): chr1:108,148,304, G>C on the plus strand (C>G on the coding strand, the complement: SLC25A24 is on the minus strand). VCF-style: chr1-108148304-G-C. GRCh37 (hg19) VCF-style: chr1-108690926-G-C.
Other names: c.848C>G, p.Ala283Gly (NM_213651.3); short protein forms A283G, A302G.
Identifiers: ClinVar variation 4851639 (VCV004851639.1).